The following is an entry in ClinVar:

NM_000051.4(ATM):c.214A>G (p.Thr72Ala)

Gene: ATM (ATM serine/threonine kinase; plus strand). Cytogenetic location: 11q22.3.
Variant type: single nucleotide variant.
Coding change: c.214A>G on transcript NM_000051.4 (MANE Select); coding-DNA position 214, A replaced by G.
Protein change: p.Thr72Ala; replaces threonine 72 with alanine.
Molecular consequence: missense variant.
Genome position (GRCh38, 1-based): chr11:108,229,206, A>G. VCF-style: chr11-108229206-A-G. GRCh37 (hg19) VCF-style: chr11-108099933-A-G.
Other names: c.214A>G, p.Thr72Ala (NM_001351834.2, NM_001351835.2, NM_001351836.2); short protein forms T72A.
Identifiers: ClinVar variation 969776 (VCV000969776.16), dbSNP rs1223998386, ClinGen allele CA382521343.
Genomic context (GRCh38, chr11:108,229,206, plus strand): 5'-AGTTTCTGAAATTGCATTTTGTTTTCTTGAAGATTTTTACAGAAATATATTCAGAAAGAA[A>G]CAGAATGTCTGAGAATAGCAAAACCAAATGTATCAGCCTCAACACAAGCCTCCAGGCAGA-3'
Protein context (NP_000042.3, residues 62-82): RFLQKYIQKE[Thr72Ala]ECLRIAKPNV

ClinVar aggregate classification (germline): Uncertain significance. Review status: criteria provided, multiple submitters, no conflicts (2 of 4 stars). 4 submissions from 4 submitters: Uncertain significance (3). 1 of the submissions does not count toward it. Last evaluated 2025-04-16.

Conditions:
Hereditary cancer-predisposing syndrome. Also called: Hereditary neoplastic syndrome; Hereditary Cancer Syndrome; Tumor predisposition; Neoplastic Syndromes, Hereditary. Identifiers: Orphanet 140162, MedGen C0027672, MeSH D009386, MONDO:0015356.
Ataxia-telangiectasia syndrome (AT). Also called: ATAXIA-TELANGIECTASIA, FRESNO VARIANT; Ataxia-telangiectasia, complementation group E; Ataxia telangiectasia (A-T); LOUIS-BAR SYNDROME; Ataxia-telangiectasia, complementation group D; AT, COMPLEMENTATION GROUP C. Identifiers: Orphanet 100, MedGen C0004135, MONDO:0008840, OMIM 208900.

Submissions (4):

Labcorp Genetics (formerly Invitae), Labcorp
Classification: Uncertain significance for Ataxia-telangiectasia syndrome. Last evaluated: 2025-04-16. Review status: criteria provided, single submitter. Criteria: Invitae Variant Classification Sherloc (09022015). Collection method: clinical testing. Allele origin: germline.
Comment: This sequence change replaces threonine, which is neutral and polar, with alanine, which is neutral and non-polar, at codon 72 of the ATM protein (p.Thr72Ala). This variant is not present in population databases (gnomAD no frequency). This missense change has been observed in individual(s) with pancreatic ductal adenocarcinoma (PMID: 35171259). ClinVar contains an entry for this variant (Variation ID: 969776). Invitae Evidence Modeling of protein sequence and biophysical properties (such as structural, functional, and spatial information, amino acid conservation, physicochemical variation, residue mobility, and thermodynamic stability) indicates that this missense variant is not expected to disrupt ATM protein function with a negative predictive value of 95%. In summary, the available evidence is currently insufficient to determine the role of this variant in disease. Therefore, it has been classified as a Variant of Uncertain Significance.

Center for Genomic Medicine, Rigshospitalet, Copenhagen University Hospital
Classification: Uncertain significance. Last evaluated: 2025-03-04. Review status: criteria provided, single submitter. Criteria: ACMG Guidelines, 2015. Collection method: clinical testing. Allele origin: germline.

Ambry Genetics
Classification: Uncertain significance for Hereditary cancer-predisposing syndrome. Last evaluated: 2024-09-04. Review status: criteria provided, single submitter. Criteria: Ambry Variant Classification Scheme 2023. Collection method: clinical testing. Allele origin: germline.
Comment: The p.T72A variant (also known as c.214A>G), located in coding exon 3 of the ATM gene, results from an A to G substitution at nucleotide position 214. The threonine at codon 72 is replaced by alanine, an amino acid with similar properties. This alteration was identified in 1 of 1009 patients amongst a cohort of Chinese patients with a personal history of pancreatic ductal adenocarcinoma (Yin L et al. JAMA Netw Open, 2022 Feb;5:e2148721). This amino acid position is well conserved in available vertebrate species. In addition, this alteration is predicted to be tolerated by in silico analysis. Based on the available evidence, the clinical significance of this variant remains unclear.

Natera, Inc.
Classification: Uncertain significance for Ataxia-telangiectasia. Last evaluated: 2021-04-20. Review status: no assertion criteria provided. Collection method: clinical testing. Allele origin: germline. Not counted in ClinVar's aggregate classification.

Literature cited by the submitters: PubMed 35171259 (cited by Labcorp Genetics (formerly Invitae), Labcorp and Ambry Genetics).